The following is an entry in ClinVar:

ClinVar aggregate classification (germline): Pathogenic/Likely pathogenic. Review status: criteria provided, multiple submitters, no conflicts (2 of 4 stars). 4 submissions from 4 submitters: Pathogenic (3); Likely pathogenic (1). Last evaluated 2024-05-27.

Conditions:
Hereditary breast ovarian cancer syndrome. Also called: Hereditary breast and/or ovarian cancer syndrome; BRCA1- and BRCA2-Associated Hereditary Breast and Ovarian Cancer; Breast and ovarian cancer; Hereditary breast and ovarian cancer; Hereditary breast and ovarian cancer syndrome; Hereditary breast and ovarian cancer syndrome (HBOC). Identifiers: Orphanet 145, MedGen C0677776, MeSH D061325, MONDO:0003582. Disease mechanism: loss of function.
Hereditary cancer-predisposing syndrome. Also called: Hereditary neoplastic syndrome; Tumor predisposition; Hereditary Cancer Syndrome; Neoplastic Syndromes, Hereditary. Identifiers: Orphanet 140162, MedGen C0027672, MeSH D009386, MONDO:0015356.

Submissions (4):

Labcorp Genetics (formerly Invitae), Labcorp
Classification: Pathogenic for Hereditary breast ovarian cancer syndrome. Last evaluated: 2024-05-27. Review status: criteria provided, single submitter. Criteria: Invitae Variant Classification Sherloc (09022015). Collection method: clinical testing. Allele origin: germline.
Comment: This sequence change creates a premature translational stop signal (p.Leu2396Aspfs*15) in the BRCA2 gene. It is expected to result in an absent or disrupted protein product. Loss-of-function variants in BRCA2 are known to be pathogenic (PMID: 20104584). This variant is not present in population databases (gnomAD no frequency). This variant has not been reported in the literature in individuals affected with BRCA2-related conditions. ClinVar contains an entry for this variant (Variation ID: 491319). For these reasons, this variant has been classified as Pathogenic.

Ambry Genetics
Classification: Pathogenic for Hereditary cancer-predisposing syndrome. Last evaluated: 2023-08-19. Review status: criteria provided, single submitter. Criteria: Ambry Variant Classification Scheme 2023. Collection method: clinical testing. Allele origin: germline.
Comment: The c.7186_7187delTT pathogenic mutation, located in coding exon 13 of the BRCA2 gene, results from a deletion of two nucleotides at nucleotide positions 7186 to 7187, causing a translational frameshift with a predicted alternate stop codon (p.L2396Dfs*15). This variant is considered to be rare based on population cohorts in the Genome Aggregation Database (gnomAD). This alteration is expected to result in loss of function by premature protein truncation or nonsense-mediated mRNA decay. As such, this alteration is interpreted as a disease-causing mutation.

Color Diagnostics, LLC DBA Color Health
Classification: Pathogenic for Hereditary cancer-predisposing syndrome. Last evaluated: 2020-05-15. Review status: criteria provided, single submitter. Criteria: ACMG Guidelines, 2015. Collection method: clinical testing. Allele origin: germline.
Comment: This variant deletes 2 nucleotides in exon 14 of the BRCA2 gene, creating a frameshift and premature translation stop signal. This variant is expected to result in an absent or non-functional protein product. To our knowledge, this variant has not been reported in individuals affected with hereditary cancer in the literature. This variant has not been identified in the general population by the Genome Aggregation Database (gnomAD). Loss of BRCA2 function is a known mechanism of disease. Based on the available evidence, this variant is classified as Pathogenic.

Women's Health and Genetics/Laboratory Corporation of America, LabCorp
Classification: Likely pathogenic for Hereditary breast and ovarian cancer syndrome. Last evaluated: 2020-03-23. Review status: criteria provided, single submitter. Criteria: LabCorp Variant Classification Summary - May 2015. Collection method: clinical testing. Allele origin: germline.
Comment: Variant summary: BRCA2 c.7186_7187delTT (p.Leu2396AspfsX15) results in a premature termination codon, predicted to cause a truncation of the encoded protein or absence of the protein due to nonsense mediated decay, which are commonly known mechanisms for disease. Truncations downstream of this position have been classified as pathogenic by our laboratory. The variant was absent in 251290 control chromosomes (gnomAD). To our knowledge, no occurrence of c.7186_7187delTT in individuals affected with Hereditary Breast and Ovarian Cancer and no experimental evidence demonstrating its impact on protein function have been reported. One clinical diagnostic laboratory has submitted clinical-significance assessments for this variant to ClinVar after 2014 without evidence for independent evaluation and cited the variant as pathogenic. Based on the evidence outlined above, the variant was classified as likely pathogenic.

Literature cited by the submitters: PubMed 20104584 (cited by Labcorp Genetics (formerly Invitae), Labcorp).

NM_000059.4(BRCA2):c.7186_7187del (p.Leu2396fs)

Gene: BRCA2 (BRCA2 DNA repair associated; plus strand). Cytogenetic location: 13q13.1.
Variant type: Deletion.
Coding change: c.7186_7187del on transcript NM_000059.4 (MANE Select); coding-DNA positions 7186 to 7187, 2 bases deleted (TT; older notation c.7186_7187delTT).
Protein change: p.Leu2396fs; shifts the reading frame from leucine 2396.
Molecular consequence: frameshift variant.
Genome position (GRCh38, 1-based): chr13:32,355,039-32,355,040, TT deleted. VCF-style (leftmost placement, unchanged base first): chr13-32355038-CTT-C. GRCh37 (hg19) VCF-style: chr13-32929175-CTT-C.
Other names: c.7186_7187delTT (NM_000059.3); short protein forms L2396fs.
Identifiers: ClinVar variation 491319 (VCV000491319.12), dbSNP rs1555286031, ClinGen allele CA658683838.
Genomic context (GRCh38, chr13:32,355,038, plus strand): 5'-AGCAGTTTCAGGACATCCATTTTATCAAGTTTCTGCTACAAGAAATGAAAAAATGAGACA[CTT>C]GATTACTACAGGCAGACCAACCAAAGTCTTTGTTCCACCTTTTAAAACTAAATCACATTT-3'